The following continues an entry in ClinVar:

NM_172250.3(MMAA):c.433C>T (p.Arg145Ter)

Gene: MMAA. ClinVar aggregate classification (germline): Pathogenic/Likely pathogenic. Pathogenic (18); Likely pathogenic (1).

Submissions 17 to 26 of 26:

Laboratory for Molecular Medicine, Mass General Brigham Personalized Medicine
Classification: Pathogenic for Methylmalonic acidemia. Last evaluated: 2017-05-01. Review status: criteria provided, single submitter. Criteria: LMM Criteria. Collection method: clinical testing. Allele origin: germline. Inheritance: Autosomal recessive inheritance. Observed: 1 variant allele.
Comment: The p.Arg145X (NM_172250.2 c.433C>T) variant in MMAA has been reported in 2 het erozygous, 12 homozygous (2 of which were consanguineous) and 10 compound hetero zygous individuals with methylmalonic acidemia (Lerner-Ellis 2004, Yang 2004, Ha armann 2013, and Devi 2017). This variant has also been reported in ClinVar (Var iation ID#3160) as pathogenic by multiple laboratories. This variant has been id entified in 0.04% (6/16350) of South Asian chromosomes by the Exome Aggregation Consortium (ExAC; dbSNP rs104893851). Although t his variant has been seen in the general population, its frequency is low enough to be consistent with a recessive carrier frequency. This nonsense variant lead s to a premature termination codon at position 145, which is predicted to lead t o a truncated or absent protein. Biallelic loss of function of the MMAA gene has been associated with methylmalonic acidemia. In summary, this variant meets cr iteria to be classified as pathogenic for methylmalonic acidemia in an autosomal recessive manner based upon its biallelic occurrence in individuals with this d isease and predicted null effect on the protein.

Women's Health and Genetics/Laboratory Corporation of America, LabCorp
Classification: Pathogenic for Methylmalonic acidemia. Last evaluated: 2016-02-17. Review status: criteria provided, single submitter. Criteria: LabCorp Variant Classification Summary - May 2015. Collection method: clinical testing. Allele origin: germline.
Comment: Variant summary: MMAA c.433C>T variant results in a premature termination at codon 145 (274 amino acids from the end of the protein), predicted to cause a truncated or absent MMAA protein, which is a commonly known mechanism for methylmalonic academia. Mutation Taster predicts a damaging outcome for this variant; this predictions is supported by functional studies showing that patients homozygous for R145X have a "reduced ability to incorporate propionate into cellular macromolecules, an indirect measure of AdoCbl-dependent MCM activity" (10-29% of WT activity). This variant is found in 19/119564 control chromosomes at a frequency of 0.0001589, which does not significantly exceed maximal expected frequency of a pathogenic allele (0.0018257). The variant of interest has been reported in many patients from the literature, and R145X is a common disease variant that has been reported to represent 45% of pathogenic MMAA alleles (Lerner-Ellis et al. 2004). In addition, several clinical laboratories/reputable databases classified this variant as pathogenic. Taken together, this is a disease variant and was classified as pathogenic.

Juno Genomics, Hangzhou Juno Genomics, Inc
Classification: Pathogenic for Methylmalonic aciduria, cblA type. Review status: criteria provided, single submitter. Criteria: ACMG Guidelines, 2015. Collection method: clinical testing. Allele origin: germline.
Comment: Absent from controls (or at extremely low frequency if recessive) in Genome Aggregation Database.;Null variant in a gene where loss of function (LOF) is a known mechanism of disease.;For recessive disorders, detected in trans with a pathogenic variant.;Patient's phenotype or family history is highly specific for a disease with a single genetic etiology.

Foundation for Research in Genetics and Endocrinology, FRIGE's Institute of Human Genetics
Classification: Pathogenic for Methylmalonic aciduria, cblA type. Last evaluated: 2018-12-18. Review status: no assertion criteria provided. Collection method: clinical testing. Allele origin: germline. Inheritance: Autosomal recessive inheritance. Affected: no. Observed: 1 heterozygote. Not counted in ClinVar's aggregate classification.
Comment: The variant NM_172250.3:c.433C>T (p.Arg145Ter) in exon-2 of MMAA gene has been seen in heterozygous status. It is a nonsense variant that results in a stop codon and premature truncation of the protein. This variant has not been reported in the 1000 Genomes database and has a minor allele frequency of 0.02% in the ExAc database. The in-silico prediction of this variant is damaging by MutationTaster2.

Division of Human Genetics, Children's Hospital of Philadelphia
Classification: Pathogenic for Methylmalonic aciduria, vitamin B12-responsive. Last evaluated: 2015-01-08. Review status: no assertion criteria provided. Collection method: research. Allele origin: germline. Affected: no. Study: CSER-PediSeq. Not counted in ClinVar's aggregate classification.
Comment: The heterozygous variant in the MMAA gene (c.433C>T; p.Arg145*) is considered a pathogenic variant. This change represents a rare premature truncation resulting in a product 1/3 of the expected length with the last ~ 273 amino acids being truncated off. In the ExAC dataset this variant was seen on 19 alleles out of 121038 tested, with all tested individuals being heterozygous for the change.

OMIM
Classification: Pathogenic for METHYLMALONIC ACIDURIA, cblA TYPE. Last evaluated: 2004-12-01. Review status: no assertion criteria provided. Collection method: literature only. Allele origin: germline. Not counted in ClinVar's aggregate classification.

Clinical Genetics DNA and cytogenetics Diagnostics Lab, Erasmus MC, Erasmus Medical Center
Classification: Pathogenic. Review status: no assertion criteria provided. Collection method: clinical testing. Allele origin: germline. Affected: yes. Study: VKGL Data-share Consensus. Not counted in ClinVar's aggregate classification.

GeneReviews
No classification provided. Condition: Methylmalonic aciduria, cblA type. Review status: no classification provided. Collection method: literature only. Allele origin: germline. Affected: yes. Not counted in ClinVar's aggregate classification.

Genome Diagnostics Laboratory, University Medical Center Utrecht
Classification: Pathogenic. Review status: no assertion criteria provided. Collection method: clinical testing. Allele origin: germline. Affected: yes. Study: VKGL Data-share Consensus. Not counted in ClinVar's aggregate classification.

Joint Genome Diagnostic Labs from Nijmegen and Maastricht, Radboudumc and MUMC+
Classification: Pathogenic. Review status: no assertion criteria provided. Collection method: clinical testing. Allele origin: germline. Affected: yes. Study: VKGL Data-share Consensus. Not counted in ClinVar's aggregate classification.

Literature cited by the submitters: PubMed 15523652 (cited by 10 submitters); PubMed 15781192 (cited by Labcorp Genetics (formerly Invitae), Labcorp and GeneReviews); PubMed 15308131 (cited by 4 submitters); PubMed 16247646 (cited by Labcorp Genetics (formerly Invitae), Labcorp); PubMed 17957493 (cited by Labcorp Genetics (formerly Invitae), Labcorp); PubMed 23026888 (cited by Labcorp Genetics (formerly Invitae), Labcorp); PubMed 26270765 (cited by Labcorp Genetics (formerly Invitae), Labcorp); PubMed 27591164 (cited by 3 submitters); PubMed 32754920 (cited by Mayo Clinic Laboratories, Mayo Clinic); PubMed 35618652 (cited by Mayo Clinic Laboratories, Mayo Clinic and Illumina Laboratory Services, Illumina); PubMed 22614770 (cited by Illumina Laboratory Services, Illumina); PubMed 24095221 (cited by Laboratory for Molecular Medicine, Mass General Brigham Personalized Medicine); PubMed 26370686 (cited by Women's Health and Genetics/Laboratory Corporation of America, LabCorp); NCBI Bookshelf NBK1231 (cited by GeneReviews).